The following is an entry in ClinVar:

ClinVar aggregate classification (germline): Uncertain significance. Review status: criteria provided, single submitter (1 of 4 stars). 2 submissions from 2 submitters: Uncertain significance (1). 1 of the submissions does not count toward it. Last evaluated 2023-07-10.

Conditions:
Usher syndrome type 2A. Also called: RETINAL DISEASE IN USHER SYNDROME TYPE IIA, MODIFIER OF; USHER SYNDROME, TYPE IIA. Identifiers: Orphanet 231178, Orphanet 886, MedGen C1848634, MONDO:0010169, OMIM 276901.

Submissions (2):

Labcorp Genetics (formerly Invitae), Labcorp
Classification: Uncertain significance. Last evaluated: 2023-07-10. Review status: criteria provided, single submitter. Criteria: Invitae Variant Classification Sherloc (09022015). Collection method: clinical testing. Allele origin: germline.
Comment: In summary, the available evidence is currently insufficient to determine the role of this variant in disease. Therefore, it has been classified as a Variant of Uncertain Significance. Advanced modeling of protein sequence and biophysical properties (such as structural, functional, and spatial information, amino acid conservation, physicochemical variation, residue mobility, and thermodynamic stability) performed at Invitae indicates that this missense variant is not expected to disrupt USH2A protein function. ClinVar contains an entry for this variant (Variation ID: 2187172). This variant has not been reported in the literature in individuals affected with USH2A-related conditions. This variant is not present in population databases (gnomAD no frequency). This sequence change replaces glycine, which is neutral and non-polar, with valine, which is neutral and non-polar, at codon 3728 of the USH2A protein (p.Gly3728Val).

Natera, Inc.
Classification: Uncertain significance for Usher syndrome type 2A. Last evaluated: 2025-01-24. Review status: no assertion criteria provided. Collection method: clinical testing. Allele origin: germline. Not counted in ClinVar's aggregate classification.

NM_206933.4(USH2A):c.11183G>T (p.Gly3728Val)

Gene: USH2A (usherin; minus strand). Cytogenetic location: 1q41.
Variant type: single nucleotide variant.
Coding change: c.11183G>T on transcript NM_206933.4 (MANE Select); coding-DNA position 11183, G replaced by T.
Protein change: p.Gly3728Val; replaces glycine 3728 with valine.
Molecular consequence: missense variant.
Genome position (GRCh38, 1-based): chr1:215,759,708, C>A on the plus strand (G>T on the coding strand, the complement: USH2A is on the minus strand). VCF-style: chr1-215759708-C-A. GRCh37 (hg19) VCF-style: chr1-215933050-C-A.
Other names: c.11183G>T (NM_206933.2); short protein forms G3728V.
Identifiers: ClinVar variation 2187172 (VCV002187172.5), dbSNP rs754169661, ClinGen allele CA344822644.